The following is an entry in ClinVar:

NM_000138.5(FBN1):c.925del (p.Ser309fs)

Gene: FBN1 (fibrillin 1; minus strand). Cytogenetic location: 15q21.1.
Variant type: Deletion.
Coding change: c.925del on transcript NM_000138.5 (MANE Select); coding-DNA position 925, one base deleted (A; older notation c.925delA).
Protein change: p.Ser309fs; shifts the reading frame from serine 309.
Molecular consequence: frameshift variant.
Genome position (GRCh38, 1-based): chr15:48,526,193, T deleted on the plus strand (A on the coding strand, the reverse complement: FBN1 is on the minus strand). VCF-style (leftmost placement, unchanged base first): chr15-48526192-CT-C. GRCh37 (hg19) VCF-style: chr15-48818389-CT-C.
Other names: short protein forms S309fs.
Identifiers: ClinVar variation 1418681 (VCV001418681.6), dbSNP rs2141343395, ClinGen allele CA2573150799.

ClinVar aggregate classification (germline): Pathogenic (1 of 4 stars; one submission).

Conditions:
Marfan syndrome (MFS). Also called: MARFAN SYNDROME, TYPE I; Marfan syndrome type 1; Marfan's syndrome; Marfan syndrome, classic; FBN1-Related Marfan Syndrome. Identifiers: Orphanet 284963, Orphanet 558, MedGen C0024796, MONDO:0007947, OMIM 154700.
Familial thoracic aortic aneurysm and aortic dissection (TAAD). Also called: Thoracic aortic aneurysms and dissections. Identifiers: Orphanet 91387, MedGen C4707243, MONDO:0019625.

Submission:

Labcorp Genetics (formerly Invitae), Labcorp
Classification: Pathogenic for Marfan syndrome; Familial thoracic aortic aneurysm and aortic dissection. Last evaluated: 2020-12-14. Review status: criteria provided, single submitter. Criteria: Invitae Variant Classification Sherloc (09022015). Collection method: clinical testing. Allele origin: germline.
Comment: For these reasons, this variant has been classified as Pathogenic. This variant has not been reported in the literature in individuals with FBN1-related conditions. This variant is not present in population databases (ExAC no frequency). This sequence change creates a premature translational stop signal (p.Ser309Alafs*21) in the FBN1 gene. It is expected to result in an absent or disrupted protein product. Loss-of-function variants in FBN1 are known to be pathogenic (PMID: 17657824, 19293843).

Literature cited by the submitters: PubMed 17657824; PubMed 19293843.